The following is an entry in ClinVar:

NM_000485.3(APRT):c.491G>A (p.Gly164Asp)

Gene: APRT (adenine phosphoribosyltransferase; minus strand). Cytogenetic location: 16q24.3.
Variant type: single nucleotide variant.
Coding change: c.491G>A on transcript NM_000485.3 (MANE Select); coding-DNA position 491, G replaced by A.
Protein change: p.Gly164Asp; replaces glycine 164 with aspartic acid.
Molecular consequence: missense variant. On other transcripts: intron variant (1).
Genome position (GRCh38, 1-based): chr16:88,809,750, C>T on the plus strand (G>A on the coding strand, the complement: APRT is on the minus strand). VCF-style: chr16-88809750-C-T. GRCh37 (hg19) VCF-style: chr16-88876158-C-T.
Other names: c.401-44G>A (NM_001030018.2); short protein forms G164D.
Identifiers: ClinVar variation 988069 (VCV000988069.2), dbSNP rs768425517, ClinGen allele CA8234352.

ClinVar aggregate classification (germline): Conflicting classifications of pathogenicity. Review status: no assertion criteria provided (0 of 4 stars). 2 submissions from 2 submitters: Pathogenic (1); Uncertain significance (1). Last evaluated 2024-08-21.

Conditions:
Adenine phosphoribosyltransferase deficiency (APRTD). Also called: APRT DEFICIENCY; NEPHROLITHIASIS, DHA; Urolithiasis, dha; 2,8-dihydroxyadenine urolithiasis. Identifiers: Orphanet 976, MedGen C0268120, MONDO:0013869, OMIM 614723.
APRT-related disorder. Also called: APRT-related condition.

Allele frequency attached by ClinVar (database versions not stated): TOPMed below 0.00001; gnomAD 0.00001; gnomAD exomes 0.00001 and 0.00002; ExAC 0.00002.

Submissions (2):

PreventionGenetics, part of Exact Sciences
Classification: Uncertain significance for APRT-related condition. Last evaluated: 2024-08-21. Review status: no assertion criteria provided. Collection method: clinical testing. Allele origin: germline.
Comment: The APRT c.491G>A variant is predicted to result in the amino acid substitution p.Gly164Asp. This variant was reported, along with a pathogenic (start loss) variant, in an individual with adenine phosphoribosyltransferase (APRT) deficiency confirmed by biochemical assay (reported as c.491G>A, Gly174Asp in Harambat et al. 2012. PubMed ID: 22212387; supplementary data of Runolfsdottir et al. 2021. PubMed ID: 33707627). This variant is reported in 0.0035% of alleles in individuals of European (Non-Finnish) descent in gnomAD. Although we suspect this variant is pathogenic, at this time, the clinical significance of this variant is uncertain due to the absence of conclusive functional and genetic evidence.

APRT Deficiency Research Program of the Rare Kidney Stone Consortium, Landspitali, National University Hospital of Iceland
Classification: Pathogenic for Adenine phosphoribosyltransferase deficiency. Last evaluated: 2020-09-01. Review status: no assertion criteria provided. Collection method: literature only. Allele origin: germline. Affected: yes.

Literature cited by the submitters: PubMed 22212387 (cited by APRT Deficiency Research Program of the Rare Kidney Stone Consortium, Landspitali, National University Hospital of Iceland).